The following is an entry in ClinVar:

NM_000038.6(APC):c.6952A>G (p.Ser2318Gly)

Gene: APC (APC regulator of Wnt signaling pathway; plus strand). Cytogenetic location: 5q22.2.
Variant type: single nucleotide variant.
Coding change: c.6952A>G on transcript NM_000038.6 (MANE Select); coding-DNA position 6952, A replaced by G.
Protein change: p.Ser2318Gly; replaces serine 2318 with glycine.
Molecular consequence: missense variant.
Genome position (GRCh38, 1-based): chr5:112,842,546, A>G. VCF-style: chr5-112842546-A-G. GRCh37 (hg19) VCF-style: chr5-112178243-A-G.
Other names: c.6952A>G, p.Ser2318Gly (NM_001127510.3, NM_001354895.2); c.6898A>G, p.Ser2300Gly (NM_001127511.3); c.7006A>G, p.Ser2336Gly (NM_001354896.2); c.6982A>G, p.Ser2328Gly (NM_001354897.2); c.6877A>G, p.Ser2293Gly (NM_001354898.2); c.6868A>G, p.Ser2290Gly (NM_001354899.2); c.6829A>G, p.Ser2277Gly (NM_001354900.2); c.6775A>G, p.Ser2259Gly (NM_001354901.2); and 5 more; short protein forms S2300G, S2318G, S2227G, S2035G, S2158G, S2217G, S2259G, S2277G.
Identifiers: ClinVar variation 418792 (VCV000418792.27), dbSNP rs747056590, ClinGen allele CA046510.

ClinVar aggregate classification (germline): Conflicting classifications of pathogenicity. Review status: criteria provided, conflicting classifications (1 of 4 stars). 9 submissions from 8 submitters: Uncertain significance (8); Likely benign (1). Last evaluated 2025-08-25.

Conditions:
Hereditary cancer-predisposing syndrome. Also called: Hereditary neoplastic syndrome; Tumor predisposition; Neoplastic Syndromes, Hereditary; Hereditary Cancer Syndrome. Identifiers: Orphanet 140162, MedGen C0027672, MeSH D009386, MONDO:0015356.
Familial adenomatous polyposis 1 (FAP1). Also called: FAMILIAL ADENOMATOUS POLYPOSIS 1, ATTENUATED; POLYPOSIS, ADENOMATOUS INTESTINAL. Identifiers: MedGen C2713442, MONDO:0021056, OMIM 175100. Disease mechanism: loss of function.
Classic or attenuated familial adenomatous polyposis. Identifiers: MedGen CN372698, MONDO:0021057.

Allele frequency attached by ClinVar (database versions not stated): ExAC 0.00001; gnomAD exomes 0.00001 and 0.00002; TOPMed 0.00001.
gnomAD v4.1: 7 of 1,614,096 alleles (0.00043%); highest among the groups gnomAD compares: Admixed American, 0.01%; no homozygotes.

Submissions (9):

Labcorp Genetics (formerly Invitae), Labcorp
Classification: Uncertain significance for Familial adenomatous polyposis 1. Last evaluated: 2025-08-25. Review status: criteria provided, single submitter. Criteria: Invitae Variant Classification Sherloc (09022015). Collection method: clinical testing. Allele origin: germline.
Comment: This sequence change replaces serine, which is neutral and polar, with glycine, which is neutral and non-polar, at codon 2318 of the APC protein (p.Ser2318Gly). This variant is present in population databases (rs747056590, gnomAD 0.009%). This variant has not been reported in the literature in individuals affected with APC-related conditions. ClinVar contains an entry for this variant (Variation ID: 418792). Invitae Evidence Modeling of protein sequence and biophysical properties (such as structural, functional, and spatial information, amino acid conservation, physicochemical variation, residue mobility, and thermodynamic stability) indicates that this missense variant is not expected to disrupt APC protein function with a negative predictive value of 95%. In summary, the available evidence is currently insufficient to determine the role of this variant in disease. Therefore, it has been classified as a Variant of Uncertain Significance.

All of Us Research Program, National Institutes of Health
Classification: Uncertain significance for Classic or attenuated familial adenomatous polyposis. Last evaluated: 2024-05-30. Review status: criteria provided, single submitter. Criteria: ACMG Guidelines, 2015. Collection method: clinical testing. Allele origin: germline. Inheritance: Autosomal dominant inheritance. Observed: 5 variant alleles, 5 heterozygotes.
Comment: This missense variant replaces serine with glycine at codon 2318 of the APC protein. Computational prediction is inconclusive regarding the impact of this variant on protein structure and function (internally defined REVEL score threshold 0.5 < inconclusive < 0.7, PMID: 27666373). To our knowledge, functional studies have not been reported for this variant. This variant has not been reported in individuals affected with hereditary cancer in the literature. This variant has been identified in 4/250906 chromosomes in the general population by the Genome Aggregation Database (gnomAD). The available evidence is insufficient to determine the role of this variant in disease conclusively. Therefore, this variant is classified as a Variant of Uncertain Significance.

This study involves interpretation of variants in research participants for the purpose of population health screening. Participant phenotype was not available at the time of variant classification. Additional details can be found in publication PMID: 35346344, PMCID: PMC8962531

Color Diagnostics, LLC DBA Color Health
Classification: Uncertain significance for Hereditary cancer-predisposing syndrome. Last evaluated: 2024-03-06. Review status: criteria provided, single submitter. Criteria: ACMG Guidelines, 2015. Collection method: clinical testing. Allele origin: germline.
Comment: This missense variant replaces serine with glycine at codon 2318 of the APC protein. Computational prediction suggests that this variant may not impact protein structure and function (internally defined REVEL score threshold <= 0.5, PMID: 27666373). To our knowledge, functional studies have not been reported for this variant. This variant has not been reported in individuals affected with APC-related disorders in the literature. This variant has been identified in 4/250906 chromosomes in the general population by the Genome Aggregation Database (gnomAD). The available evidence is insufficient to determine the role of this variant in disease conclusively. Therefore, this variant is classified as a Variant of Uncertain Significance.

Quest Diagnostics Nichols Institute San Juan Capistrano
Classification: Uncertain significance. Last evaluated: 2023-12-18. Review status: criteria provided, single submitter. Criteria: Quest Diagnostics criteria. Collection method: clinical testing. Allele origin: unknown.
Comment: The APC c.6952A>G (p.Ser2318Gly) variant has not been reported in individuals with APC-related conditions in the published literature. The frequency of this variant in the general population, 0.00012 (4/34562 chromosomes in Admixed American subpopulation (Genome Aggregation Database)), is higher than would generally be expected for pathogenic variants in this gene. Analysis of this variant using bioinformatics tools for the prediction of the effect of amino acid changes on protein structure and function yielded conflicting predictions that this variant is benign or damaging. Based on the available information, we are unable to determine the clinical significance of this variant.

Baylor Genetics
Classification: Uncertain significance for Familial adenomatous polyposis 1. Last evaluated: 2023-10-17. Review status: criteria provided, single submitter. Criteria: ACMG Guidelines, 2015. Collection method: clinical testing. Allele origin: unknown.

GeneDx
Classification: Uncertain significance. Last evaluated: 2023-05-19. Review status: criteria provided, single submitter. Criteria: GeneDx Variant Classification Process June 2021. Collection method: clinical testing. Allele origin: germline. Affected: yes.
Comment: Not observed at significant frequency in large population cohorts (gnomAD); In silico analysis supports that this missense variant does not alter protein structure/function; Has not been previously published as pathogenic or benign to our knowledge

Ambry Genetics
Classification: Likely benign for Hereditary cancer-predisposing syndrome. Last evaluated: 2022-08-15. Review status: criteria provided, single submitter. Criteria: Ambry Variant Classification Scheme 2023. Collection method: clinical testing. Allele origin: germline.

Baylor Genetics
Classification: Uncertain significance for Familial adenomatous polyposis 1. Last evaluated: 2022-01-11. Review status: criteria provided, single submitter. Criteria: ACMG Guidelines, 2015. Collection method: clinical testing. Allele origin: maternal. Affected: yes. Study: CSER-TexasKidsCanSeq.
Comment: This variant was determined to be of uncertain significance according to ACMG Guidelines, 2015 [PMID:25741868].

Women's Health and Genetics/Laboratory Corporation of America, LabCorp
Classification: Uncertain significance. Last evaluated: 2017-03-13. Review status: criteria provided, single submitter. Criteria: LabCorp Variant Classification Summary - May 2015. Collection method: clinical testing. Allele origin: germline.
Comment: Variant summary: The APC c.6952A>G (p.Ser2318Gly) variant located in the adenomatous polyposis coli protein basic domain (via InterPro) involves the alteration of a conserved nucleotide that 3/4 in silico tools (SNPs&GO not captured due to low reliability index) predict a damaging outcome, although these predictions have yet to be functionally assessed. The variant of interest has been observed in the large, broad control population, ExAC, with an allele frequency of 1/120752, which does not exceed the estimated maximal expected allele frequency for a pathogenic APC variant of 1/14005. The variant of interest has not, to our knowledge, been reported in affected individuals via publications and/or reputable databases/clinical diagnostic laboratories. Therefore, until additional information becomes available (ie, clinical and functional studies), the variant of interest has been classified as a "Variant of Uncertain Significance."